The following is an entry in ClinVar:

NM_000342.4(SLC4A1):c.2545GTG[1] (p.Val850del)

Gene: SLC4A1 (solute carrier family 4 member 1 (Diego blood group); minus strand). Cytogenetic location: 17q21.31.
Variant type: Microsatellite.
Coding change: c.2545GTG[1] on transcript NM_000342.4 (MANE Select); one copy of the 3-base unit GTG starting at c.2545; the reference has two copies in a row; one copy, 3 bases deleted.
Protein change: p.Val850del; deletes valine 850.
Molecular consequence: inframe deletion.
Genome position (GRCh38, 1-based): chr17:44,251,264-44,251,266, CAC deleted on the plus strand (GTG on the coding strand, the reverse complement: SLC4A1 is on the minus strand); deleting any 3 consecutive bases within chr17:44,251,264-44,251,270 gives the same sequence; the position shown is the placement nearest the transcript's 3' end. VCF-style (leftmost placement, unchanged base first): chr17-44251263-TCAC-T. GRCh37 (hg19) VCF-style: chr17-42328631-TCAC-T.
Other names: short protein forms V850del.
Identifiers: ClinVar variation 17772 (VCV000017772.3), dbSNP rs121912752, ClinGen allele CA127397.

ClinVar aggregate classification (germline): Pathogenic. Review status: criteria provided, single submitter (1 of 4 stars). 2 submissions from 2 submitters: Pathogenic (1). 1 of the submissions does not count toward it. Last evaluated 2025-12-16.

Conditions:
Renal tubular acidosis, distal, 4, with hemolytic anemia. Also called: Renal Tubular Acidosis, Distal, with Hemolytic Anemia. Identifiers: Orphanet 93610, MedGen C5436235, MONDO:0012700, OMIM 611590.

Submissions (2):

Labcorp Genetics (formerly Invitae), Labcorp
Classification: Pathogenic. Last evaluated: 2025-12-16. Review status: criteria provided, single submitter. Criteria: Invitae Variant Classification Sherloc (09022015). Collection method: clinical testing. Allele origin: germline.
Comment: This variant, c.2548_2550del, results in the deletion of 1 amino acid(s) of the SLC4A1 protein (p.Val850del), but otherwise preserves the integrity of the reading frame. This variant is present in population databases (rs121912752, gnomAD 0.003%). This variant has been observed in individual(s) with distal renal tubular acidosis (PMID: 10926824). In at least one individual the data is consistent with being in trans (on the opposite chromosome) from a pathogenic variant. It has also been observed to segregate with disease in related individuals. Algorithms developed to predict the effect of variants on gene product structure and function are not available or were not evaluated for this variant. Experimental studies have shown that this variant affects SLC4A1 function (PMID: 10926824, 16849697). For these reasons, this variant has been classified as Pathogenic.

OMIM
Classification: Pathogenic for RENAL TUBULAR ACIDOSIS, DISTAL, 4, WITH HEMOLYTIC ANEMIA. Last evaluated: 2000-08-15. Review status: no assertion criteria provided. Collection method: literature only. Allele origin: germline. Not counted in ClinVar's aggregate classification.

Literature cited by the submitters: PubMed 10926824 (cited by Labcorp Genetics (formerly Invitae), Labcorp and OMIM); PubMed 16849697 (cited by Labcorp Genetics (formerly Invitae), Labcorp).